The following is an entry in ClinVar:

ClinVar aggregate classification (germline): Likely benign. Review status: criteria provided, multiple submitters, no conflicts (2 of 4 stars). 2 submissions from 2 submitters: Likely benign (2). Last evaluated 2025-07-02.

Conditions:
Diffuse cerebral and cerebellar atrophy - intractable seizures - progressive microcephaly syndrome. Also called: Microcephaly, progressive, with seizures and cerebral and cerebellar atrophy. Identifiers: Orphanet 404437, MedGen C4014239, MONDO:0014335, OMIM 615760.

Allele frequency attached by ClinVar (database versions not stated): gnomAD 0.00001.
gnomAD v4.1: 2 of 1,613,756 alleles (0.00012%); highest among the groups gnomAD compares: Admixed American, 0.0033%; no homozygotes.

Submissions (2):

Athena Diagnostics
Classification: Likely benign. Last evaluated: 2025-07-02. Review status: criteria provided, single submitter. Criteria: Athena Diagnostics Criteria. Collection method: clinical testing. Allele origin: unknown.
Comment: Computational tools yielded predictions that this variant is unlikely to have an effect on normal RNA splicing. This nucleotide position exhibits low evolutionary conservation.

Labcorp Genetics (formerly Invitae), Labcorp
Classification: Likely benign for Diffuse cerebral and cerebellar atrophy - intractable seizures - progressive microcephaly syndrome. Last evaluated: 2022-12-25. Review status: criteria provided, single submitter. Criteria: Invitae Variant Classification Sherloc (09022015). Collection method: clinical testing. Allele origin: germline.

NM_005051.3(QARS1):c.1388+9G>T

Gene: QARS1 (glutaminyl-tRNA synthetase 1; minus strand). Cytogenetic location: 3p21.31.
Variant type: single nucleotide variant.
Coding change: c.1388+9G>T on transcript NM_005051.3 (MANE Select); 9 bases into the intron after coding-DNA position 1388, G replaced by T.
Molecular consequence: intron variant.
Genome position (GRCh38, 1-based): chr3:49,099,752, C>A on the plus strand (G>T on the coding strand, the complement: QARS1 is on the minus strand). VCF-style: chr3-49099752-C-A. GRCh37 (hg19) VCF-style: chr3-49137185-C-A.
Other names: c.1388+9G>T (NM_005051.1); c.1355+9G>T (NM_001272073.2).
Identifiers: ClinVar variation 2824213 (VCV002824213.4), dbSNP rs1045778601, ClinGen allele CA74473613.